The following is an entry in ClinVar:

ClinVar aggregate classification (germline): Uncertain significance (1 of 4 stars; one submission).

Conditions:
Severe early-onset pulmonary alveolar proteinosis due to MARS deficiency. Also called: PULMONARY ALVEOLAR PROTEINOSIS, REUNION ISLAND; Interstitial lung and liver disease. Identifiers: Orphanet 440427, MedGen C4225400, MONDO:0014206, OMIM 615486.
Charcot-Marie-Tooth disease axonal type 2U. Also called: CHARCOT-MARIE-TOOTH NEUROPATHY, TYPE 2U; CHARCOT-MARIE-TOOTH DISEASE, AXONAL, AUTOSOMAL DOMINANT, TYPE 2U. Identifiers: Orphanet 397735, MedGen C4084821, MONDO:0014566, OMIM 616280.

Allele frequency attached by ClinVar (database versions not stated): gnomAD exomes below 0.00001; TOPMed 0.00002.
gnomAD v4.1: 2 of 1,614,100 alleles (0.00012%); highest among the groups gnomAD compares: Admixed American, 0.0017%; no homozygotes.

Submission:

Labcorp Genetics (formerly Invitae), Labcorp
Classification: Uncertain significance for Charcot-Marie-Tooth disease axonal type 2U; Severe early-onset pulmonary alveolar proteinosis due to MARS deficiency. Last evaluated: 2020-12-10. Review status: criteria provided, single submitter. Criteria: Invitae Variant Classification Sherloc (09022015). Collection method: clinical testing. Allele origin: germline.
Comment: In summary, the available evidence is currently insufficient to determine the role of this variant in disease. Therefore, it has been classified as a Variant of Uncertain Significance. This variant has not been reported in the literature in individuals with MARS-related conditions. This variant is not present in population databases (ExAC no frequency). This sequence change creates a premature translational stop signal (p.Gln772*) in the MARS gene. It is expected to result in an absent or disrupted protein product. However, the current clinical and genetic evidence is not sufficient to establish whether loss-of-function variants in MARS cause disease.

NM_004990.4(MARS1):c.2314C>T (p.Gln772Ter)

Gene: MARS1 (methionyl-tRNA synthetase 1; plus strand). Cytogenetic location: 12q13.3.
Variant type: single nucleotide variant.
Coding change: c.2314C>T on transcript NM_004990.4 (MANE Select); coding-DNA position 2314, C replaced by T.
Protein change: p.Gln772Ter; replaces glutamine 772 with a stop codon.
Molecular consequence: nonsense.
Genome position (GRCh38, 1-based): chr12:57,515,259, C>T. VCF-style: chr12-57515259-C-T. GRCh37 (hg19) VCF-style: chr12-57909042-C-T.
Other names: short protein forms Q772*.
Identifiers: ClinVar variation 1681787 (VCV001681787.6), dbSNP rs1248367484, ClinGen allele CA385466542.